The following is an entry in ClinVar:

NM_024337.4(IRX1):c.780T>C (p.Ala260=)

Gene: IRX1 (iroquois homeobox 1; plus strand). Cytogenetic location: 5p15.33.
Variant type: single nucleotide variant.
Coding change: c.780T>C on transcript NM_024337.4 (MANE Select); coding-DNA position 780, T replaced by C.
Protein change: p.Ala260=; no amino-acid change (alanine 260 retained).
Molecular consequence: synonymous variant.
Genome position (GRCh38, 1-based): chr5:3,599,728, T>C. VCF-style: chr5-3599728-T-C. GRCh37 (hg19) VCF-style: chr5-3599842-T-C.
Identifiers: ClinVar variation 3034796 (VCV003034796.2), dbSNP rs61741521, ClinGen allele CA3188922.

ClinVar aggregate classification (germline): Likely benign (0 of 4 stars; one submission).

Conditions:
IRX1-related disorder. Also called: IRX1-related condition.

Allele frequency attached by ClinVar (database versions not stated): gnomAD exomes 0.00041; ExAC 0.00098; 1000 Genomes Project 0.00180; 1000 Genomes Project 30x 0.00203; gnomAD 0.00251; ESP Exome Variant Server 0.00285; TOPMed 0.00298.

Submission:

PreventionGenetics, part of Exact Sciences
Classification: Likely benign for IRX1-related condition. Last evaluated: 2019-08-21. Review status: no assertion criteria provided. Collection method: clinical testing. Allele origin: germline.
Comment: This variant is classified as likely benign based on ACMG/AMP sequence variant interpretation guidelines (Richards et al. 2015 PMID: 25741868, with internal and published modifications).